The following is an entry in ClinVar:

NM_001005242.3(PKP2):c.103G>A (p.Glu35Lys)

Gene: PKP2 (plakophilin 2; minus strand). Cytogenetic location: 12p11.21.
Variant type: single nucleotide variant.
Coding change: c.103G>A on transcript NM_001005242.3 (MANE Select); coding-DNA position 103, G replaced by A.
Protein change: p.Glu35Lys; replaces glutamic acid 35 with lysine.
Molecular consequence: missense variant. On other transcripts: 5 prime UTR variant (4).
Genome position (GRCh38, 1-based): chr12:32,896,629, C>T on the plus strand (G>A on the coding strand, the complement: PKP2 is on the minus strand). VCF-style: chr12-32896629-C-T. GRCh37 (hg19) VCF-style: chr12-33049563-C-T.
Other names: c.103G>A, p.Glu35Lys (NM_001407155.1, NM_001407156.1, NM_001407157.1 and 2 more transcripts); c.-724G>A (NM_001407158.1, NM_001407162.1); c.-488G>A (NM_001407159.1, NM_001407160.1); short protein forms E35K.
Identifiers: ClinVar variation 2774112 (VCV002774112.3), dbSNP rs754791731, ClinGen allele CA026929.

ClinVar aggregate classification (germline): Uncertain significance. Review status: criteria provided, multiple submitters, no conflicts (2 of 4 stars). 2 submissions from 2 submitters: Uncertain significance (2). Last evaluated 2025-08-04.

Conditions:
Cardiomyopathy (CMYO). Also called: Cardiomyopathies. Identifiers: Orphanet 167848, MedGen C0878544, MONDO:0004994, HP:0001638. Inheritance: Various modes of inheritance.
Cardiovascular phenotype. Identifiers: MedGen CN230736.

Allele frequency attached by ClinVar (database versions not stated): gnomAD exomes below 0.00001.
gnomAD v4.1: 2 of 1,578,880 alleles (0.00013%); highest among the groups gnomAD compares: Non-Finnish European, 0.00017%; no homozygotes.

Submissions (2):

Ambry Genetics
Classification: Uncertain significance for Cardiovascular phenotype. Last evaluated: 2025-08-04. Review status: criteria provided, single submitter. Criteria: Ambry Variant Classification Scheme 2023. Collection method: clinical testing. Allele origin: germline.

Color Diagnostics, LLC DBA Color Health
Classification: Uncertain significance for Cardiomyopathy. Last evaluated: 2023-11-13. Review status: criteria provided, single submitter. Criteria: ACMG Guidelines, 2015. Collection method: clinical testing. Allele origin: germline.
Comment: This missense variant replaces glutamic acid with lysine at codon 35 of the PKP2 protein. Computational prediction suggests that this variant may not impact protein structure and function (internally defined REVEL score threshold <= 0.5, PMID: 27666373). To our knowledge, functional studies have not been reported for this variant. This variant has not been reported in individuals affected with PKP2-related disorders in the literature. This variant has not been identified in the general population by the Genome Aggregation Database (gnomAD). The available evidence is insufficient to determine the role of this variant in disease conclusively. Therefore, this variant is classified as a Variant of Uncertain Significance.